The following is an entry in ClinVar:

ClinVar aggregate classification (germline): Uncertain significance (1 of 4 stars; one submission).

Conditions:
Norman-Roberts syndrome (LIS2). Also called: Lissencephaly 2 (Norman-Roberts type). Identifiers: Orphanet 89844, MedGen C0796089, MONDO:0009760, OMIM 257320.
Familial temporal lobe epilepsy 7. Identifiers: Orphanet 101046, MedGen C4225327, MONDO:0014639, OMIM 616436.

Allele frequency attached by ClinVar (database versions not stated): ExAC 0.00002.
gnomAD v4.1: 2 of 1,613,994 alleles (0.00012%); highest among the groups gnomAD compares: Admixed American, 0.0033%; no homozygotes.

Submission:

Labcorp Genetics (formerly Invitae), Labcorp
Classification: Uncertain significance for Familial temporal lobe epilepsy 7; Norman-Roberts syndrome. Last evaluated: 2025-04-20. Review status: criteria provided, single submitter. Criteria: Invitae Variant Classification Sherloc (09022015). Collection method: clinical testing. Allele origin: germline.
Comment: This sequence change replaces glycine, which is neutral and non-polar, with glutamic acid, which is acidic and polar, at codon 395 of the RELN protein (p.Gly395Glu). This variant is present in population databases (rs759959817, gnomAD 0.006%). This variant has not been reported in the literature in individuals affected with RELN-related conditions. ClinVar contains an entry for this variant (Variation ID: 2945593). Invitae Evidence Modeling of protein sequence and biophysical properties (such as structural, functional, and spatial information, amino acid conservation, physicochemical variation, residue mobility, and thermodynamic stability) indicates that this missense variant is not expected to disrupt RELN protein function with a negative predictive value of 80%. In summary, the available evidence is currently insufficient to determine the role of this variant in disease. Therefore, it has been classified as a Variant of Uncertain Significance.

NM_005045.4(RELN):c.1184G>A (p.Gly395Glu)

Gene: RELN (reelin; minus strand). Cytogenetic location: 7q22.1.
Variant type: single nucleotide variant.
Coding change: c.1184G>A on transcript NM_005045.4 (MANE Select); coding-DNA position 1184, G replaced by A.
Protein change: p.Gly395Glu; replaces glycine 395 with glutamic acid.
Molecular consequence: missense variant.
Genome position (GRCh38, 1-based): chr7:103,682,221, C>T on the plus strand (G>A on the coding strand, the complement: RELN is on the minus strand). VCF-style: chr7-103682221-C-T. GRCh37 (hg19) VCF-style: chr7-103322668-C-T.
Other names: c.1184G>A, p.Gly395Glu (NM_173054.3); short protein forms G395E.
Identifiers: ClinVar variation 2945593 (VCV002945593.3), dbSNP rs759959817, ClinGen allele CA4422338.